The following is an entry in ClinVar:

ClinVar aggregate classification (germline): Conflicting classifications of pathogenicity. Review status: criteria provided, conflicting classifications (1 of 4 stars). 2 submissions from 2 submitters: Uncertain significance (1); Likely benign (1). Last evaluated 2024-08-14.

gnomAD v4.1: 9 of 1,610,336 alleles (0.00056%); highest among the groups gnomAD compares: Admixed American, 0.0083%; no homozygotes.

Submissions (2):

Labcorp Genetics (formerly Invitae), Labcorp
Classification: Uncertain significance. Last evaluated: 2024-08-14. Review status: criteria provided, single submitter. Criteria: Invitae Variant Classification Sherloc (09022015). Collection method: clinical testing. Allele origin: germline.
Comment: This sequence change replaces isoleucine, which is neutral and non-polar, with valine, which is neutral and non-polar, at codon 449 of the POLD2 protein (p.Ile449Val). The frequency data for this variant in the population databases is considered unreliable, as metrics indicate poor data quality at this position in the gnomAD database. This variant has not been reported in the literature in individuals affected with POLD2-related conditions. An algorithm developed to predict the effect of missense changes on protein structure and function outputs the following: PolyPhen-2: "Not Available". The valine amino acid residue is found in multiple mammalian species, which suggests that this missense change does not adversely affect protein function. In summary, the available evidence is currently insufficient to determine the role of this variant in disease. Therefore, it has been classified as a Variant of Uncertain Significance.

Ambry Genetics
Classification: Likely benign. Last evaluated: 2024-06-26. Review status: criteria provided, single submitter. Criteria: Ambry Variant Classification Scheme 2023. Collection method: clinical testing. Allele origin: germline.

NM_006230.4(POLD2):c.1240A>G (p.Ile414Val)

Gene: POLD2 (DNA polymerase delta 2, accessory subunit; minus strand). Cytogenetic location: 7p13.
Variant type: single nucleotide variant.
Coding change: c.1240A>G on transcript NM_006230.4 (MANE Select); coding-DNA position 1240, A replaced by G.
Protein change: p.Ile414Val; replaces isoleucine 414 with valine.
Molecular consequence: missense variant.
Genome position (GRCh38, 1-based): chr7:44,115,304, T>C on the plus strand (A>G on the coding strand, the complement: POLD2 is on the minus strand). VCF-style: chr7-44115304-T-C. GRCh37 (hg19) VCF-style: chr7-44154903-T-C.
Other names: c.1240A>G, p.Ile414Val (NM_001127218.3, NM_001256879.2); short protein forms I414V.
Identifiers: ClinVar variation 3422024 (VCV003422024.3).